The following is an entry in ClinVar:

ClinVar aggregate classification (germline): Uncertain significance (1 of 4 stars; one submission).

Conditions:
Bethlem myopathy 1A. Also called: MYOPATHY, BENIGN CONGENITAL, WITH CONTRACTURES; Bethlem myopathy 1; Bethlem Muscular Dystrophy. Identifiers: Orphanet 610, MedGen CN029274, MONDO:0024530, OMIM 158810.

Submission:

Labcorp Genetics (formerly Invitae), Labcorp
Classification: Uncertain significance for Bethlem myopathy 1A. Last evaluated: 2022-01-21. Review status: criteria provided, single submitter. Criteria: Invitae Variant Classification Sherloc (09022015). Collection method: clinical testing. Allele origin: germline.
Comment: Advanced modeling of protein sequence and biophysical properties (such as structural, functional, and spatial information, amino acid conservation, physicochemical variation, residue mobility, and thermodynamic stability) performed at Invitae indicates that this missense variant is expected to disrupt COL6A3 protein function. This sequence change replaces glycine, which is neutral and non-polar, with glutamic acid, which is acidic and polar, at codon 249 of the COL6A3 protein (p.Gly249Glu). This variant is not present in population databases (gnomAD no frequency). This variant has not been reported in the literature in individuals affected with COL6A3-related conditions. In summary, the available evidence is currently insufficient to determine the role of this variant in disease. Therefore, it has been classified as a Variant of Uncertain Significance.

NM_004369.4(COL6A3):c.746G>A (p.Gly249Glu)

Gene: COL6A3 (collagen type VI alpha 3 chain; minus strand). Cytogenetic location: 2q37.3.
Variant type: single nucleotide variant.
Coding change: c.746G>A on transcript NM_004369.4 (MANE Select); coding-DNA position 746, G replaced by A.
Protein change: p.Gly249Glu; replaces glycine 249 with glutamic acid.
Molecular consequence: missense variant. On other transcripts: intron variant (2).
Genome position (GRCh38, 1-based): chr2:237,388,148, C>T on the plus strand (G>A on the coding strand, the complement: COL6A3 is on the minus strand). VCF-style: chr2-237388148-C-T. GRCh37 (hg19) VCF-style: chr2-238296791-C-T.
Other names: c.128G>A, p.Gly43Glu (NM_057165.5, NM_057167.4); c.92-6649G>A (NM_057166.5, NM_057164.5); short protein forms G249E, G43E.
Identifiers: ClinVar variation 1929180 (VCV001929180.5), dbSNP rs770510140, ClinGen allele CA351224149.
Genomic context (GRCh38, chr2:237,388,148, plus strand): 5'-AGGAGATTTACAAGGAAGTCGAGAATGACTGCGAAATTGACACTTCCGGTGTTGTTTGAT[C>T]CATCAATAAGGAAAATAATGTCAGCAGAGTCTTGTGCTTTAAAAGAAAGAAATGCAAAAA-3'
Protein context (NP_004360.2, residues 239-259): DSADIIFLID[Gly249Glu]SNNTGSVNFA